The following is an entry in ClinVar:

NM_014855.3(AP5Z1):c.2305A>G (p.Thr769Ala)

Gene: AP5Z1 (adaptor related protein complex 5 subunit zeta 1; plus strand). Cytogenetic location: 7p22.1.
Variant type: single nucleotide variant.
Coding change: c.2305A>G on transcript NM_014855.3 (MANE Select); coding-DNA position 2305, A replaced by G.
Protein change: p.Thr769Ala; replaces threonine 769 with alanine.
Molecular consequence: missense variant. On other transcripts: non-coding transcript variant (1).
Genome position (GRCh38, 1-based): chr7:4,791,266, A>G. VCF-style: chr7-4791266-A-G. GRCh37 (hg19) VCF-style: chr7-4830897-A-G.
Other names: p.Thr769Ala; c.1837A>G, p.Thr613Ala (NM_001364858.1); short protein forms T613A, T769A.
Identifiers: ClinVar variation 696581 (VCV000696581.22), dbSNP rs188569082, ClinGen allele CA4138422.

ClinVar aggregate classification (germline): Conflicting classifications of pathogenicity. Review status: criteria provided, conflicting classifications (1 of 4 stars). 7 submissions from 7 submitters: Uncertain significance (1); Benign (2); Likely benign (3). 1 of the submissions does not count toward it. Last evaluated 2025-12-25.

Conditions:
Hereditary spastic paraplegia 48. Also called: Spastic paraplegia 48; SPASTIC PARAPLEGIA 48, AUTOSOMAL RECESSIVE. Identifiers: Orphanet 306511, MedGen C3150901, MONDO:0013342, OMIM 613647.
AP5Z1-related disorder. Also called: AP5Z1-related condition.
Inborn genetic diseases. Identifiers: MedGen C0950123, MeSH D030342.

Allele frequency attached by ClinVar (database versions not stated): ESP Exome Variant Server 0.00257; TOPMed 0.00270; 1000 Genomes Project 0.00359; 1000 Genomes Project 30x 0.00375.
gnomAD v4.1: 744 of 1,612,712 alleles (0.046%); highest among the groups gnomAD compares: African/African-American, 0.83%; 4 homozygotes.

Submissions (7):

Labcorp Genetics (formerly Invitae), Labcorp
Classification: Benign for Hereditary spastic paraplegia 48. Last evaluated: 2025-12-25. Review status: criteria provided, single submitter. Criteria: Invitae Variant Classification Sherloc (09022015). Collection method: clinical testing. Allele origin: germline.

Ambry Genetics
Classification: Likely benign for Inborn genetic diseases. Last evaluated: 2025-08-01. Review status: criteria provided, single submitter. Criteria: Ambry Variant Classification Scheme 2023. Collection method: clinical testing. Allele origin: germline.

Mayo Clinic Laboratories, Mayo Clinic
Classification: Likely benign. Last evaluated: 2024-11-25. Review status: criteria provided, single submitter. Criteria: ACMG Guidelines, 2015. Collection method: clinical testing. Allele origin: germline. Observed: 2 variant alleles.
Comment: BS1, BS2, BP4

Athena Diagnostics
Classification: Benign. Last evaluated: 2023-10-30. Review status: criteria provided, single submitter. Criteria: Athena Diagnostics Criteria. Collection method: clinical testing. Allele origin: unknown.

GeneDx
Classification: Likely benign. Last evaluated: 2021-04-15. Review status: criteria provided, single submitter. Criteria: GeneDx Variant Classification Process June 2021. Collection method: clinical testing. Allele origin: germline. Affected: yes.
Comment: In silico analysis, which includes protein predictors and evolutionary conservation, supports a deleterious effect; Has not been previously published as pathogenic or benign to our knowledge

Illumina Laboratory Services, Illumina
Classification: Uncertain significance for Hereditary spastic paraplegia 48. Last evaluated: 2018-01-12. Review status: criteria provided, single submitter. Criteria: ICSL Variant Classification Criteria 13 December 2019. Collection method: clinical testing. Allele origin: germline.

PreventionGenetics, part of Exact Sciences
Classification: Likely benign for AP5Z1-related condition. Last evaluated: 2019-04-01. Review status: no assertion criteria provided. Collection method: clinical testing. Allele origin: germline. Not counted in ClinVar's aggregate classification.
Comment: This variant is classified as likely benign based on ACMG/AMP sequence variant interpretation guidelines (Richards et al. 2015 PMID: 25741868, with internal and published modifications).